The following is an entry in ClinVar:

ClinVar aggregate classification (germline): Likely benign. Review status: criteria provided, multiple submitters, no conflicts (2 of 4 stars). 11 submissions from 8 submitters: Likely benign (10). 1 of the submissions does not count toward it. Last evaluated 2025-12-24.

Conditions:
Congenital myopathy 18. Also called: Myopathy, congenital, due to dihydropyridine receptor defect; DIHYDROPYRIDINE RECEPTOR CONGENITAL MYOPATHY; DHPR CONGENITAL MYOPATHY. Identifiers: MedGen C5830283, MONDO:0859514, OMIM 620246.
Thyrotoxic periodic paralysis, susceptibility to, 1 (TTPP1). Identifiers: Orphanet 79102, MedGen C2749982, MONDO:0008570, OMIM 188580.
Hypokalemic periodic paralysis, type 1. Also called: HypoPP; Hypokalemic Periodic Paralysis Type 1 (AD). Identifiers: Orphanet 681, MedGen C3714580, MONDO:0042979, OMIM 170400.
Malignant hyperthermia, susceptibility to, 5 (MHS5). Also called: CACNA1S-Related Malignant Hyperthermia Susceptibility. Identifiers: Orphanet 423, MedGen C1866077, MONDO:0011163, OMIM 601887.
CACNA1S-related disorder. Also called: CACNA1S-related condition.

Allele frequency attached by ClinVar (database versions not stated): 1000 Genomes Project 0.00060; 1000 Genomes Project 30x 0.00062; TOPMed 0.00065; gnomAD 0.00073; ESP Exome Variant Server 0.00123.
gnomAD v4.1: 258 of 1,612,172 alleles (0.016%); highest among the groups gnomAD compares: African/African-American, 0.29%; 2 homozygotes.

Submissions (11):

Labcorp Genetics (formerly Invitae), Labcorp
Classification: Likely benign for Hypokalemic periodic paralysis, type 1; Malignant hyperthermia, susceptibility to, 5. Last evaluated: 2025-12-24. Review status: criteria provided, single submitter. Criteria: Invitae Variant Classification Sherloc (09022015). Collection method: clinical testing. Allele origin: germline.

All of Us Research Program, National Institutes of Health
Classification: Likely benign for Malignant hyperthermia, susceptibility to, 5. Last evaluated: 2024-09-23. Review status: criteria provided, single submitter. Criteria: ACMG Guidelines, 2015. Collection method: clinical testing. Allele origin: germline. Inheritance: Autosomal dominant inheritance. Observed: 80 variant alleles, 79 heterozygotes, 1 hemizygote.
Comment: This study involves interpretation of variants in research participants for the purpose of population health screening. Participant phenotype was not available at the time of variant classification. Additional details can be found in publication PMID: 35346344, PMCID: PMC8962531

Blueprint Genetics
Classification: Likely benign. Last evaluated: 2024-06-11. Review status: criteria provided, single submitter. Criteria: ACMG Guidelines, 2015. Collection method: clinical testing. Allele origin: germline.

Genome-Nilou Lab
Classification: Likely benign for Malignant hyperthermia, susceptibility to, 5. Last evaluated: 2023-04-11. Review status: criteria provided, single submitter. Criteria: ACMG Guidelines, 2015. Collection method: clinical testing. Allele origin: germline. Affected: no.

Genome-Nilou Lab
Classification: Likely benign for Thyrotoxic periodic paralysis, susceptibility to, 1. Last evaluated: 2023-04-11. Review status: criteria provided, single submitter. Criteria: ACMG Guidelines, 2015. Collection method: clinical testing. Allele origin: germline. Affected: no.

Genome-Nilou Lab
Classification: Likely benign for Congenital myopathy 18. Last evaluated: 2023-04-11. Review status: criteria provided, single submitter. Criteria: ACMG Guidelines, 2015. Collection method: clinical testing. Allele origin: germline. Affected: no.

Genome-Nilou Lab
Classification: Likely benign for Hypokalemic periodic paralysis, type 1. Last evaluated: 2023-04-11. Review status: criteria provided, single submitter. Criteria: ACMG Guidelines, 2015. Collection method: clinical testing. Allele origin: germline. Affected: no.

Color Diagnostics, LLC DBA Color Health
Classification: Likely benign for Malignant hyperthermia, susceptibility to, 5. Last evaluated: 2022-09-16. Review status: criteria provided, single submitter. Criteria: ACMG Guidelines, 2015. Collection method: clinical testing. Allele origin: germline.

Fulgent Genetics
Classification: Likely benign for Hypokalemic periodic paralysis, type 1; Thyrotoxic periodic paralysis, susceptibility to, 1; Malignant hyperthermia, susceptibility to, 5. Last evaluated: 2021-07-08. Review status: criteria provided, single submitter. Criteria: ACMG Guidelines, 2015. Collection method: clinical testing. Allele origin: unknown.

GeneDx
Classification: Likely benign. Last evaluated: 2021-01-04. Review status: criteria provided, single submitter. Criteria: GeneDx Variant Classification Process June 2021. Collection method: clinical testing. Allele origin: germline. Affected: yes.

PreventionGenetics, part of Exact Sciences
Classification: Likely benign for CACNA1S-related condition. Last evaluated: 2019-05-29. Review status: no assertion criteria provided. Collection method: clinical testing. Allele origin: germline. Not counted in ClinVar's aggregate classification.
Comment: This variant is classified as likely benign based on ACMG/AMP sequence variant interpretation guidelines (Richards et al. 2015 PMID: 25741868, with internal and published modifications).

NM_000069.3(CACNA1S):c.3425A>C (p.Gln1142Pro)

Gene: CACNA1S (calcium voltage-gated channel subunit alpha1 S; minus strand). Cytogenetic location: 1q32.1.
Variant type: single nucleotide variant.
Coding change: c.3425A>C on transcript NM_000069.3 (MANE Select); coding-DNA position 3425, A replaced by C.
Protein change: p.Gln1142Pro; replaces glutamine 1142 with proline.
Molecular consequence: missense variant.
Genome position (GRCh38, 1-based): chr1:201,059,289, T>G on the plus strand (A>C on the coding strand, the complement: CACNA1S is on the minus strand). VCF-style: chr1-201059289-T-G. GRCh37 (hg19) VCF-style: chr1-201028417-T-G.
Other names: short protein forms Q1142P.
Identifiers: ClinVar variation 473986 (VCV000473986.23), dbSNP rs139373152, ClinGen allele CA082548.